The following is an entry in ClinVar:

ClinVar aggregate classification (germline): Uncertain significance (1 of 4 stars; one submission).

Conditions:
LAMA2-related muscular dystrophy (LAMA2-RD). Also called: Laminin alpha 2-related dystrophy. Identifiers: MedGen C5679788, MONDO:0100228.

Allele frequency attached by ClinVar (database versions not stated): ExAC 0.00001; gnomAD exomes 0.00002.
gnomAD v4.1: 12 of 1,613,136 alleles (0.00074%); highest among the groups gnomAD compares: East Asian, 0.022%; no homozygotes.

Submission:

Labcorp Genetics (formerly Invitae), Labcorp
Classification: Uncertain significance for LAMA2-related muscular dystrophy. Last evaluated: 2021-08-31. Review status: criteria provided, single submitter. Criteria: Invitae Variant Classification Sherloc (09022015). Collection method: clinical testing. Allele origin: germline.
Comment: This sequence change replaces isoleucine with threonine at codon 813 of the LAMA2 protein (p.Ile813Thr). The isoleucine residue is moderately conserved and there is a moderate physicochemical difference between isoleucine and threonine. This variant is present in population databases (rs771943959, ExAC 0.001%). This variant has not been reported in the literature in individuals affected with LAMA2-related conditions. Algorithms developed to predict the effect of missense changes on protein structure and function output the following: SIFT: "Tolerated"; PolyPhen-2: "Benign"; Align-GVGD: "Class C0". The threonine amino acid residue is found in multiple mammalian species, which suggests that this missense change does not adversely affect protein function. In summary, the available evidence is currently insufficient to determine the role of this variant in disease. Therefore, it has been classified as a Variant of Uncertain Significance.

NM_000426.4(LAMA2):c.2438T>C (p.Ile813Thr)

Gene: LAMA2 (laminin subunit alpha 2; plus strand). Cytogenetic location: 6q22.33.
Variant type: single nucleotide variant.
Coding change: c.2438T>C on transcript NM_000426.4 (MANE Select); coding-DNA position 2438, T replaced by C.
Protein change: p.Ile813Thr; replaces isoleucine 813 with threonine.
Molecular consequence: missense variant.
Genome position (GRCh38, 1-based): chr6:129,270,739, T>C. VCF-style: chr6-129270739-T-C. GRCh37 (hg19) VCF-style: chr6-129591884-T-C.
Other names: c.2438T>C, p.Ile813Thr (NM_001079823.2); short protein forms I813T.
Identifiers: ClinVar variation 1053701 (VCV001053701.6), dbSNP rs771943959, ClinGen allele CA3992932.